The following is an entry in ClinVar:

ClinVar aggregate classification (germline): Conflicting classifications of pathogenicity. Review status: criteria provided, conflicting classifications (1 of 4 stars). 6 submissions from 6 submitters: Likely pathogenic (2); Uncertain significance (2). 2 of the submissions do not count toward it. Last evaluated 2025-06-24.

Conditions:
Inborn genetic diseases. Identifiers: MedGen C0950123, MeSH D030342.
Autosomal recessive limb-girdle muscular dystrophy type 2A (LGMDR1). Also called: LEYDEN-MOEBIUS MUSCULAR DYSTROPHY; MUSCULAR DYSTROPHY, PELVOFEMORAL; Limb-girdle muscular dystrophy, type 2A; Calpainopathy; Muscular dystrophy, limb-girdle, type 2A, Amish. Identifiers: Orphanet 267, MedGen C1869123, MONDO:0009675, OMIM 253600. Disease mechanism: loss of function.

Allele frequency attached by ClinVar (database versions not stated): gnomAD exomes 0.00001; TOPMed 0.00001.
gnomAD v4.1: 4 of 1,613,128 alleles (0.00025%); highest among the groups gnomAD compares: Admixed American, 0.005%; no homozygotes.

Submissions (6):

Ambry Genetics
Classification: Likely pathogenic for Inborn genetic diseases. Last evaluated: 2025-06-24. Review status: criteria provided, single submitter. Criteria: Ambry Variant Classification Scheme 2023. Collection method: clinical testing. Allele origin: germline.
Comment: The c.371G>C (p.G124A) alteration is located in exon 2 (coding exon 2) of the CAPN3 gene. This alteration results from a G to C substitution at nucleotide position 371, causing the glycine (G) at amino acid position 124 to be replaced by an alanine (A). for autosomal recessive limb-girdle muscular dystrophy; however, its clinical significance for autosomal dominant limb-girdle muscular dystrophy is uncertain. Based on data from gnomAD, the C allele has an overall frequency of 0.001% (3/251394) total alleles studied. This amino acid position is highly conserved in available vertebrate species. This alteration is predicted to be deleterious by in silico analysis. Based on the available evidence, this alteration is classified as likely pathogenic.

Labcorp Genetics (formerly Invitae), Labcorp
Classification: Likely pathogenic for Autosomal recessive limb-girdle muscular dystrophy type 2A. Last evaluated: 2025-04-28. Review status: criteria provided, single submitter. Criteria: Invitae Variant Classification Sherloc (09022015). Collection method: clinical testing. Allele origin: germline.
Comment: This sequence change replaces glycine, which is neutral and non-polar, with alanine, which is neutral and non-polar, at codon 124 of the CAPN3 protein (p.Gly124Ala). This variant is present in population databases (rs587780291, gnomAD 0.006%). This missense change has been observed in individual(s) with clinical features of autosomal recessive limb-girdle muscular dystrophy (internal data). ClinVar contains an entry for this variant (Variation ID: 128571). Invitae Evidence Modeling of protein sequence and biophysical properties (such as structural, functional, and spatial information, amino acid conservation, physicochemical variation, residue mobility, and thermodynamic stability) indicates that this missense variant is expected to disrupt CAPN3 protein function with a positive predictive value of 80%. In summary, the currently available evidence indicates that the variant is pathogenic, but additional data are needed to prove that conclusively. Therefore, this variant has been classified as Likely Pathogenic.

Athena Diagnostics
Classification: Uncertain significance. Last evaluated: 2024-02-07. Review status: criteria provided, single submitter. Criteria: Athena Diagnostics Criteria. Collection method: clinical testing. Allele origin: unknown.
Comment: Available data are insufficient to determine the clinical significance of the variant at this time. The frequency of this variant in the general population is uninformative in assessment of its pathogenicity. Computational tools predict that this variant is damaging.

Eurofins Ntd Llc (ga)
Classification: Uncertain significance. Last evaluated: 2017-09-29. Review status: criteria provided, single submitter. Criteria: EGL Classification Definitions 2015. Collection method: clinical testing. Allele origin: germline. Observed: 1 variant allele, 1 heterozygote.

Natera, Inc.
Classification: Uncertain significance for Limb-girdle muscular dystrophy type 2A. Last evaluated: 2020-09-16. Review status: no assertion criteria provided. Collection method: clinical testing. Allele origin: germline. Not counted in ClinVar's aggregate classification.

Genetic Services Laboratory, University of Chicago
Classification: Likely pathogenic for Muscular dystrophy, limb-girdle, type 2A. Last evaluated: 2013-11-07. Review status: flagged submission. Criteria: ACMG Guidelines, 2007. Collection method: clinical testing. Allele origin: germline. Inheritance: Autosomal recessive inheritance. Affected: yes. Not counted in ClinVar's aggregate classification.
ClinVar note: Reason: Outlier claim with insufficient supporting evidence

NM_000070.3(CAPN3):c.371G>C (p.Gly124Ala)

Gene: CAPN3 (calpain 3; plus strand). Cytogenetic location: 15q15.1.
Variant type: single nucleotide variant.
Coding change: c.371G>C on transcript NM_000070.3 (MANE Select); coding-DNA position 371, G replaced by C.
Protein change: p.Gly124Ala; replaces glycine 124 with alanine.
Molecular consequence: missense variant.
Genome position (GRCh38, 1-based): chr15:42,384,544, G>C. VCF-style: chr15-42384544-G-C. GRCh37 (hg19) VCF-style: chr15-42676742-G-C.
Other names: c.371G>C, p.Gly124Ala (NM_024344.2, NM_173087.2); short protein forms G124A.
Identifiers: ClinVar variation 128571 (VCV000128571.24), dbSNP rs587780291, ClinGen allele CA345537.
Genomic context (GRCh38, chr15:42,384,544, plus strand): 5'-AAATTTGCGAGAATCCCCGATTTATCATTGATGGAGCCAACAGAACTGACATCTGTCAAG[G>C]AGAGCTAGGTAGGAAAGTGCCTCAGGTCAGATCCTGCCAGATGATCAAGGGGTGATTACA-3'
Protein context (NP_000061.1, residues 114-134): DGANRTDICQ[Gly124Ala]ELGDCWFLAA